The following is an entry in ClinVar:

ClinVar aggregate classification (germline): Uncertain significance (1 of 4 stars; one submission).

Conditions:
Nephronophthisis. Also called: Juvenile Nephronophthisis. Identifiers: Orphanet 655, MedGen C0687120, MONDO:0019005, HP:0000090.

Allele frequency attached by ClinVar (database versions not stated): gnomAD below 0.00001 and 0.00001; gnomAD exomes 0.00001.
gnomAD v4.1: 12 of 1,612,282 alleles (0.00074%); highest among the groups gnomAD compares: South Asian, 0.013%; no homozygotes.

Submission:

Labcorp Genetics (formerly Invitae), Labcorp
Classification: Uncertain significance for Nephronophthisis. Last evaluated: 2022-11-08. Review status: criteria provided, single submitter. Criteria: Invitae Variant Classification Sherloc (09022015). Collection method: clinical testing. Allele origin: germline.
Comment: This sequence change replaces valine, which is neutral and non-polar, with isoleucine, which is neutral and non-polar, at codon 1197 of the NPHP3 protein (p.Val1197Ile). In summary, the available evidence is currently insufficient to determine the role of this variant in disease. Therefore, it has been classified as a Variant of Uncertain Significance. Algorithms developed to predict the effect of missense changes on protein structure and function (SIFT, PolyPhen-2, Align-GVGD) all suggest that this variant is likely to be tolerated. ClinVar contains an entry for this variant (Variation ID: 959155). This variant has not been reported in the literature in individuals affected with NPHP3-related conditions. This variant is present in population databases (no rsID available, gnomAD 0.01%).

NM_153240.5(NPHP3):c.3589G>A (p.Val1197Ile)

Genes: NPHP3 (nephrocystin 3; minus strand), NPHP3-ACAD11 (NPHP3-ACAD11 readthrough (NMD candidate); minus strand). Cytogenetic location: 3q22.1.
Variant type: single nucleotide variant.
Coding change: c.3589G>A on transcript NM_153240.5 (MANE Select); coding-DNA position 3589, G replaced by A.
Protein change: p.Val1197Ile; replaces valine 1197 with isoleucine.
Molecular consequence: missense variant. On other transcripts: non-coding transcript variant (1).
Genome position (GRCh38, 1-based): chr3:132,683,506, C>T on the plus strand (G>A on the coding strand, the complement: NPHP3 is on the minus strand). VCF-style: chr3-132683506-C-T. GRCh37 (hg19) VCF-style: chr3-132402350-C-T.
Other names: short protein forms V1197I.
Identifiers: ClinVar variation 959155 (VCV000959155.9), dbSNP rs1400005418, ClinGen allele CA354578666.